The following is an entry in ClinVar:

NM_000557.5(GDF5):c.679A>G (p.Ser227Gly)

Gene: GDF5 (growth differentiation factor 5; minus strand). Cytogenetic location: 20q11.22.
Variant type: single nucleotide variant.
Coding change: c.679A>G on transcript NM_000557.5 (MANE Select); coding-DNA position 679, A replaced by G.
Protein change: p.Ser227Gly; replaces serine 227 with glycine.
Molecular consequence: missense variant.
Genome position (GRCh38, 1-based): chr20:35,434,736, T>C on the plus strand (A>G on the coding strand, the complement: GDF5 is on the minus strand). VCF-style: chr20-35434736-T-C. GRCh37 (hg19) VCF-style: chr20-34022534-T-C.
Other names: c.679A>G, p.Ser227Gly (NM_001319138.2); short protein forms S227G.
Identifiers: ClinVar variation 2164567 (VCV002164567.3), dbSNP rs1487967012, ClinGen allele CA408741554.
Genomic context (GRCh38, chr20:35,434,736, plus strand): 5'-AGGGCTTCTTCCGCAAGATCCGCAGCTCGGCCCCCAGCAGCCCATCCTTCTCCAGGGCAC[T>C]AATGTCAAACACGTACCTCTGCTTCCTGACCACGGGACCTCGGTCATCTAGAGAGAACAC-3'
Protein context (NP_000548.2, residues 217-237): VRKQRYVFDI[Ser227Gly]ALEKDGLLGA

ClinVar aggregate classification (germline): Uncertain significance. Review status: criteria provided, multiple submitters, no conflicts (2 of 4 stars). 2 submissions from 2 submitters: Uncertain significance (2). Last evaluated 2026-01-25.

gnomAD v4.1: 5 of 1,611,410 alleles (0.00031%); highest among the groups gnomAD compares: Admixed American, 0.0017%; no homozygotes.

Submissions (2):

Labcorp Genetics (formerly Invitae), Labcorp
Classification: Uncertain significance. Last evaluated: 2026-01-25. Review status: criteria provided, single submitter. Criteria: Invitae Variant Classification Sherloc (09022015). Collection method: clinical testing. Allele origin: germline.
Comment: This sequence change replaces serine, which is neutral and polar, with glycine, which is neutral and non-polar, at codon 227 of the GDF5 protein (p.Ser227Gly). This variant is present in population databases (no rsID available, gnomAD 0.006%). This variant has not been reported in the literature in individuals affected with GDF5-related conditions. ClinVar contains an entry for this variant (Variation ID: 2164567). Invitae Evidence Modeling of protein sequence and biophysical properties (such as structural, functional, and spatial information, amino acid conservation, physicochemical variation, residue mobility, and thermodynamic stability) has been performed for this missense variant. However, the output from this modeling did not meet the statistical confidence thresholds required to predict the impact of this variant on GDF5 protein function. In summary, the available evidence is currently insufficient to determine the role of this variant in disease. Therefore, it has been classified as a Variant of Uncertain Significance.

Blueprint Genetics
Classification: Uncertain significance. Last evaluated: 2021-08-03. Review status: criteria provided, single submitter. Criteria: ACMG Guidelines, 2015. Collection method: clinical testing. Allele origin: germline.